The following is an entry in ClinVar:

ClinVar aggregate classification (germline): Pathogenic. Review status: criteria provided, multiple submitters, no conflicts (2 of 4 stars). 2 submissions from 2 submitters: Pathogenic (2). Last evaluated 2025-09-14.

Conditions:
Tumor predisposition syndrome 3 (TPDS3). Also called: Melanoma, cutaneous malignant, susceptibility to, 10; Glioma susceptibility 9; LONG TELOMERE SYNDROME, POT1-RELATED; POT1 Tumor Predisposition. Identifiers: Orphanet 618, MedGen C4014476, MONDO:0014368, OMIM 615848.
Hereditary cancer-predisposing syndrome. Also called: Neoplastic Syndromes, Hereditary; Hereditary Cancer Syndrome; Hereditary neoplastic syndrome; Tumor predisposition. Identifiers: Orphanet 140162, MedGen C0027672, MeSH D009386, MONDO:0015356.

Submissions (2):

Labcorp Genetics (formerly Invitae), Labcorp
Classification: Pathogenic for Tumor predisposition syndrome 3. Last evaluated: 2025-09-14. Review status: criteria provided, single submitter. Criteria: Invitae Variant Classification Sherloc (09022015). Collection method: clinical testing. Allele origin: germline.
Comment: This sequence change creates a premature translational stop signal (p.Tyr501Trpfs*3) in the POT1 gene. It is expected to result in an absent or disrupted protein product. Loss-of-function variants in POT1 are known to be pathogenic (PMID: 32155570). This variant is not present in population databases (gnomAD no frequency). This variant has not been reported in the literature in individuals affected with POT1-related conditions. ClinVar contains an entry for this variant (Variation ID: 1055219). For these reasons, this variant has been classified as Pathogenic.

Ambry Genetics
Classification: Pathogenic for Hereditary cancer-predisposing syndrome. Last evaluated: 2024-11-21. Review status: criteria provided, single submitter. Criteria: Ambry Variant Classification Scheme 2023. Collection method: clinical testing. Allele origin: germline.
Comment: The c.1502_1503delAT pathogenic mutation, located in coding exon 11 of the POT1 gene, results from a deletion of two nucleotides at nucleotide positions 1502 to 1503, causing a translational frameshift with a predicted alternate stop codon (p.Y501Wfs*3). This variant is considered to be rare based on population cohorts in the Genome Aggregation Database (gnomAD). This alteration is expected to result in loss of function by premature protein truncation or nonsense-mediated mRNA decay. As such, this alteration is interpreted as a disease-causing mutation.

Literature cited by the submitters: PubMed 32155570 (cited by Labcorp Genetics (formerly Invitae), Labcorp).

NM_015450.3(POT1):c.1502_1503del (p.Tyr501fs)

Gene: POT1 (protection of telomeres 1; minus strand). Cytogenetic location: 7q31.33.
Variant type: Deletion.
Coding change: c.1502_1503del on transcript NM_015450.3 (MANE Select); coding-DNA positions 1502 to 1503, 2 bases deleted (AT; older notation c.1502_1503delAT).
Protein change: p.Tyr501fs; shifts the reading frame from tyrosine 501.
Molecular consequence: frameshift variant. On other transcripts: non-coding transcript variant (3).
Genome position (GRCh38, 1-based): chr7:124,835,281-124,835,282, AT deleted on the plus strand (AT on the coding strand, the reverse complement: POT1 is on the minus strand); deleting any 2 consecutive bases within chr7:124,835,281-124,835,283 gives the same sequence; the c. name uses the placement nearest the transcript's 3' end. VCF-style (leftmost placement, unchanged base first): chr7-124835280-CAT-C. GRCh37 (hg19) VCF-style: chr7-124475334-CAT-C.
Other names: c.1502_1503delAT (NM_015450.2); c.1109_1110del, p.Tyr370fs (NM_001042594.2); short protein forms Y370fs, Y501fs.
Identifiers: ClinVar variation 1055219 (VCV001055219.8), dbSNP rs2116443784, ClinGen allele CA2499218707.